The following is an entry in ClinVar:

NM_000213.5(ITGB4):c.1684T>C (p.Cys562Arg)

Gene: ITGB4 (integrin subunit beta 4; plus strand). Cytogenetic location: 17q25.1.
Variant type: single nucleotide variant.
Coding change: c.1684T>C on transcript NM_000213.5 (MANE Select); coding-DNA position 1684, T replaced by C.
Protein change: p.Cys562Arg; replaces cysteine 562 with arginine.
Molecular consequence: missense variant.
Genome position (GRCh38, 1-based): chr17:75,736,077, T>C. VCF-style: chr17-75736077-T-C. GRCh37 (hg19) VCF-style: chr17-73732158-T-C.
Other names: c.1684T>C, p.Cys562Arg (NM_001005619.2, NM_001005731.3, NM_001321123.2); short protein forms C562R.
Identifiers: ClinVar variation 14735 (VCV000014735.4), dbSNP rs121912463, ClinGen allele CA257301.

ClinVar aggregate classification (germline): Likely pathogenic. Review status: criteria provided, single submitter (1 of 4 stars). 2 submissions from 2 submitters: Likely pathogenic (1). 1 of the submissions does not count toward it. Last evaluated 2024-10-17.

Conditions:
Junctional epidermolysis bullosa with pyloric atresia. Also called: Epidermolysis bullosa, junctional, with pyloric atresia and aplasia cutis congenita; Epidermolysis bullosa junctionalis with pyloric atresia; APLASIA CUTIS CONGENITA WITH GASTROINTESTINAL ATRESIA; CARMI SYNDROME; EPIDERMOLYSIS BULLOSA, JUNCTIONAL 5B, WITH PYLORIC ATRESIA; EB-PA-ACC. Identifiers: Orphanet 79403, MedGen C5676875, MONDO:0009183, OMIM 226730.

Allele frequency attached by ClinVar (database versions not stated): gnomAD exomes below 0.00001 and 0.00001; ExAC 0.00002.
gnomAD v4.1: 3 of 1,613,274 alleles (0.00019%); highest among the groups gnomAD compares: Middle Eastern, 0.016%; no homozygotes.

Submissions (2):

Labcorp Genetics (formerly Invitae), Labcorp
Classification: Likely pathogenic. Last evaluated: 2024-10-17. Review status: criteria provided, single submitter. Criteria: Invitae Variant Classification Sherloc (09022015). Collection method: clinical testing. Allele origin: germline.
Comment: This sequence change replaces cysteine, which is neutral and slightly polar, with arginine, which is basic and polar, at codon 562 of the ITGB4 protein (p.Cys562Arg). This variant is present in population databases (rs121912463, gnomAD 0.01%). This missense change has been observed in individual(s) with epidermolysis bullosa with pyloric atresia (PMID: 9792864, 36287101; internal data). In at least one individual the data is consistent with being in trans (on the opposite chromosome) from a pathogenic variant. ClinVar contains an entry for this variant (Variation ID: 14735). Invitae Evidence Modeling of protein sequence and biophysical properties (such as structural, functional, and spatial information, amino acid conservation, physicochemical variation, residue mobility, and thermodynamic stability) has been performed for this missense variant. However, the output from this modeling did not meet the statistical confidence thresholds required to predict the impact of this variant on ITGB4 protein function. In summary, the currently available evidence indicates that the variant is pathogenic, but additional data are needed to prove that conclusively. Therefore, this variant has been classified as Likely Pathogenic.

OMIM
Classification: Pathogenic for EPIDERMOLYSIS BULLOSA, JUNCTIONAL 5B, WITH PYLORIC ATRESIA. Last evaluated: 1998-11-01. Review status: no assertion criteria provided. Collection method: literature only. Allele origin: germline. Not counted in ClinVar's aggregate classification.

Literature cited by the submitters: PubMed 9792864 (cited by Labcorp Genetics (formerly Invitae), Labcorp and OMIM); PubMed 36287101 (cited by Labcorp Genetics (formerly Invitae), Labcorp).